The following is an entry in ClinVar:

ClinVar aggregate classification (germline): Uncertain significance (1 of 4 stars; one submission).

Submission:

GeneDx
Classification: Uncertain significance. Last evaluated: 2023-02-26. Review status: criteria provided, single submitter. Criteria: GeneDx Variant Classification Process June 2021. Collection method: clinical testing. Allele origin: germline. Affected: yes.
Comment: Not observed at significant frequency in large population cohorts (gnomAD); In silico analysis supports that this missense variant has a deleterious effect on protein structure/function; Has not been previously published as pathogenic or benign to our knowledge

NM_139281.3(WDR36):c.1208G>T (p.Gly403Val)

Gene: WDR36 (WD repeat domain 36; plus strand). Cytogenetic location: 5q22.1.
Variant type: single nucleotide variant.
Coding change: c.1208G>T on transcript NM_139281.3 (MANE Select); coding-DNA position 1208, G replaced by T.
Protein change: p.Gly403Val; replaces glycine 403 with valine.
Molecular consequence: missense variant.
Genome position (GRCh38, 1-based): chr5:111,107,321, G>T. VCF-style: chr5-111107321-G-T. GRCh37 (hg19) VCF-style: chr5-110443020-G-T.
Other names: short protein forms G403V.
Identifiers: ClinVar variation 2577730 (VCV002577730.1), dbSNP rs2531801169, ClinGen allele CA360611139.